The following is an entry in ClinVar:

NM_005477.3(HCN4):c.2462A>G (p.Gln821Arg)

Gene: HCN4 (hyperpolarization activated cyclic nucleotide gated potassium channel 4; minus strand). Cytogenetic location: 15q24.1.
Variant type: single nucleotide variant.
Coding change: c.2462A>G on transcript NM_005477.3 (MANE Select); coding-DNA position 2462, A replaced by G.
Protein change: p.Gln821Arg; replaces glutamine 821 with arginine.
Molecular consequence: missense variant.
Genome position (GRCh38, 1-based): chr15:73,323,631, T>C on the plus strand (A>G on the coding strand, the complement: HCN4 is on the minus strand). VCF-style: chr15-73323631-T-C. GRCh37 (hg19) VCF-style: chr15-73615972-T-C.
Other names: short protein forms Q821R.
Identifiers: ClinVar variation 2807048 (VCV002807048.3), dbSNP rs144206811, ClinGen allele CA7649024.

ClinVar aggregate classification (germline): Uncertain significance (1 of 4 stars; one submission).

Conditions:
Brugada syndrome 8 (BRGDA8). Identifiers: Orphanet 130, MedGen C2751083, MONDO:0013148, OMIM 613123.

Allele frequency attached by ClinVar (database versions not stated): TOPMed below 0.00001; ExAC 0.00001; gnomAD 0.00001; ESP Exome Variant Server 0.00008.
gnomAD v4.1: 2 of 1,598,976 alleles (0.00013%); highest among the groups gnomAD compares: Non-Finnish European, 0.00017%; no homozygotes.

Submission:

Labcorp Genetics (formerly Invitae), Labcorp
Classification: Uncertain significance for Brugada syndrome 8. Last evaluated: 2023-06-22. Review status: criteria provided, single submitter. Criteria: Invitae Variant Classification Sherloc (09022015). Collection method: clinical testing. Allele origin: germline.
Comment: In summary, the available evidence is currently insufficient to determine the role of this variant in disease. Therefore, it has been classified as a Variant of Uncertain Significance. Advanced modeling of protein sequence and biophysical properties (such as structural, functional, and spatial information, amino acid conservation, physicochemical variation, residue mobility, and thermodynamic stability) performed at Invitae indicates that this missense variant is not expected to disrupt HCN4 protein function. This variant has not been reported in the literature in individuals affected with HCN4-related conditions. This variant is not present in population databases (gnomAD no frequency). This sequence change replaces glutamine, which is neutral and polar, with arginine, which is basic and polar, at codon 821 of the HCN4 protein (p.Gln821Arg).